The following is an entry in ClinVar:

NM_000051.4(ATM):c.1071T>C (p.Phe357=)

Gene: ATM (ATM serine/threonine kinase; plus strand). Cytogenetic location: 11q22.3.
Variant type: single nucleotide variant.
Coding change: c.1071T>C on transcript NM_000051.4 (MANE Select); coding-DNA position 1071, T replaced by C.
Protein change: p.Phe357=; no amino-acid change (phenylalanine 357 retained).
Molecular consequence: synonymous variant.
Genome position (GRCh38, 1-based): chr11:108,248,938, T>C. VCF-style: chr11-108248938-T-C. GRCh37 (hg19) VCF-style: chr11-108119665-T-C.
Other names: c.1071T>C, p.Phe357= (NM_001351834.2).
Identifiers: ClinVar variation 383387 (VCV000383387.17), dbSNP rs1057521608, ClinGen allele CA16606147.
Genomic context (GRCh38, chr11:108,248,938, plus strand): 5'-AACTCTGGCTCAAAAAAAAAAAAAAGAAAAAAGTGGATTTATTTTTATTTTACAGGTTTT[T>C]AATGAAGATACCAGATCCTTGGAGATTTCTCAATCTTACACTACTACACAAAGAGAATCT-3'
Protein context (NP_000042.3, residues 347-367): ELMADICHQV[Phe357=]NEDTRSLEIS

ClinVar aggregate classification (germline): Benign/Likely benign. Review status: criteria provided, multiple submitters, no conflicts (2 of 4 stars). 4 submissions from 4 submitters: Benign (1); Likely benign (3). Last evaluated 2024-12-04.

Conditions:
Hereditary cancer-predisposing syndrome. Also called: Hereditary neoplastic syndrome; Tumor predisposition; Neoplastic Syndromes, Hereditary; Hereditary Cancer Syndrome. Identifiers: Orphanet 140162, MedGen C0027672, MeSH D009386, MONDO:0015356.
Familial cancer of breast. Also called: Hereditary breast cancer; BREAST CANCER, FAMILIAL; hereditary breast carcinoma. Identifiers: Orphanet 227535, MedGen C0346153, MONDO:0016419, OMIM 114480. Disease mechanism: loss of function.
Ataxia-telangiectasia syndrome (AT). Also called: LOUIS-BAR SYNDROME; ATAXIA-TELANGIECTASIA, COMPLEMENTATION GROUP A; ATAXIA-TELANGIECTASIA, FRESNO VARIANT; Ataxia-telangiectasia; Ataxia telangiectasia (A-T); Cerebello-oculocutaneous telangiectasia. Identifiers: Orphanet 100, MedGen C0004135, MONDO:0008840, OMIM 208900.

Allele frequency attached by ClinVar (database versions not stated): TOPMed below 0.00001.

Submissions (4):

Labcorp Genetics (formerly Invitae), Labcorp
Classification: Likely benign for Ataxia-telangiectasia syndrome. Last evaluated: 2024-12-04. Review status: criteria provided, single submitter. Criteria: Invitae Variant Classification Sherloc (09022015). Collection method: clinical testing. Allele origin: germline.

Myriad Genetics, Inc.
Classification: Benign for Familial cancer of breast. Last evaluated: 2024-04-25. Review status: criteria provided, single submitter. Criteria: Myriad Autosomal Dominant, Autosomal Recessive and X-Linked Classification Criteria (2023). Collection method: clinical testing. Allele origin: unknown.
Comment: This variant is considered benign. This variant is a silent/synonymous amino acid change and it is not expected to impact splicing.

Ambry Genetics
Classification: Likely benign for Hereditary cancer-predisposing syndrome. Last evaluated: 2017-08-25. Review status: criteria provided, single submitter. Criteria: Ambry Variant Classification Scheme 2023. Collection method: clinical testing. Allele origin: germline.

GeneDx
Classification: Likely benign. Last evaluated: 2016-01-27. Review status: criteria provided, single submitter. Criteria: GeneDx Variant Classification (06012015). Collection method: clinical testing. Allele origin: germline. Affected: yes.
Comment: This variant is considered likely benign or benign based on one or more of the following criteria: it is a conservative change, it occurs at a poorly conserved position in the protein, it is predicted to be benign by multiple in silico algorithms, and/or has population frequency not consistent with disease.